The following is an entry in ClinVar:

NM_001367624.2(ZNF469):c.2309C>T (p.Pro770Leu)

Gene: ZNF469 (zinc finger protein 469; plus strand). Cytogenetic location: 16q24.2.
Variant type: single nucleotide variant.
Coding change: c.2309C>T on transcript NM_001367624.2 (MANE Select); coding-DNA position 2309, C replaced by T.
Protein change: p.Pro770Leu; replaces proline 770 with leucine.
Molecular consequence: missense variant.
Genome position (GRCh38, 1-based): chr16:88,429,779, C>T. VCF-style: chr16-88429779-C-T. GRCh37 (hg19) VCF-style: chr16-88496187-C-T.
Other names: short protein forms P770L.
Identifiers: ClinVar variation 453031 (VCV000453031.1), dbSNP rs1425767356, ClinGen allele CA397071305.

ClinVar aggregate classification (germline): Uncertain significance (1 of 4 stars; one submission).

Allele frequency attached by ClinVar (database versions not stated): gnomAD 0.00001; gnomAD exomes 0.00001; TOPMed 0.00001.
gnomAD v4.1: 16 of 1,544,348 alleles (0.001%); highest among the groups gnomAD compares: East Asian, 0.017%; 1 homozygote.

Submission:

GeneDx
Classification: Uncertain significance. Last evaluated: 2017-10-30. Review status: criteria provided, single submitter. Criteria: GeneDx Variant Classification (06012015). Collection method: clinical testing. Allele origin: germline. Affected: yes.
Comment: A variant of uncertain significance has been identified in the ZNF469 gene. The P770L variant has not been published as pathogenic or been reported as benign to our knowledge. The P770L variant is not observed in large population cohorts (Lek et al., 2016). The P770L variant is a semi-conservative amino acid substitution, which may impact secondary protein structure as these residues differ in some properties. However, this substitution occurs at a position that is not conserved across species; leucine is tolerated at this position in two lower species, and in silico analysis is inconsistent in its predictions as to whether or not the variant is damaging to the protein structure/function. Lastly, a different missense change affecting the same residue (P770S) has been reported previously at GeneDx; however, its clinical significance in unknown.